The following is an entry in ClinVar:

NM_000295.5(SERPINA1):c.673A>T (p.Lys225Ter)

Gene: SERPINA1 (serpin family A member 1; minus strand). Cytogenetic location: 14q32.13.
Variant type: single nucleotide variant.
Coding change: c.673A>T on transcript NM_000295.5 (MANE Select); coding-DNA position 673, A replaced by T.
Protein change: p.Lys225Ter; replaces lysine 225 with a stop codon.
Molecular consequence: nonsense.
Genome position (GRCh38, 1-based): chr14:94,381,115, T>A on the plus strand (A>T on the coding strand, the complement: SERPINA1 is on the minus strand). VCF-style: chr14-94381115-T-A. GRCh37 (hg19) VCF-style: chr14-94847452-T-A.
Other names: c.673A>T, p.Lys225Ter (NM_001002235.3, NM_001002236.3, NM_001127700.2 and 7 more transcripts); short protein forms K225*.
Identifiers: ClinVar variation 1726771 (VCV001726771.2), dbSNP rs11558264, ClinGen allele CA390849054.

ClinVar aggregate classification (germline): Likely pathogenic (1 of 4 stars; one submission).

Conditions:
Alpha-1-antitrypsin deficiency (A1ATD). Also called: AAT deficiency; A1AT deficiency; Alpha1-Antitrypsin Deficiency. Identifiers: Orphanet 60, MedGen C0221757, MONDO:0013282, OMIM 613490.

Submission:

Myriad Genetics, Inc.
Classification: Likely pathogenic for Alpha-1-antitrypsin deficiency. Last evaluated: 2022-03-15. Review status: criteria provided, single submitter. Criteria: Myriad Women's Health Autosomal Recessive and X-Linked Classification Criteria (2021). Collection method: clinical testing. Allele origin: unknown.
Comment: NM_000295.4(SERPINA1):c.673A>T(K225*) is expected to be pathogenic in the context of alpha-1 antitrypsin deficiency. This variant is predicted to lead to an abnormal or absent protein product due to the creation of a premature termination codon in SERPINA1, a gene where loss-of-function variants are known to be pathogenic. Please note: this variant was assessed in the context of healthy population screening.